The following is an entry in ClinVar:

ClinVar aggregate classification (germline): Uncertain significance (1 of 4 stars; one submission).

Conditions:
Cardiovascular phenotype. Identifiers: MedGen CN230736.

Submission:

Ambry Genetics
Classification: Uncertain significance for Cardiovascular phenotype. Last evaluated: 2023-08-24. Review status: criteria provided, single submitter. Criteria: Ambry Variant Classification Scheme 2023. Collection method: clinical testing. Allele origin: germline.
Comment: The p.A150T variant (also known as c.448G>A), located in coding exon 4 of the RAF1 gene, results from a G to A substitution at nucleotide position 448. The alanine at codon 150 is replaced by threonine, an amino acid with similar properties. This amino acid position is highly conserved in available vertebrate species. In addition, the in silico prediction for this alteration is inconclusive. Since supporting evidence is limited at this time, the clinical significance of this alteration remains unclear.

NM_002880.4(RAF1):c.448G>A (p.Ala150Thr)

Gene: RAF1 (Raf-1 proto-oncogene, serine/threonine kinase; minus strand). Cytogenetic location: 3p25.2.
Variant type: single nucleotide variant.
Coding change: c.448G>A on transcript NM_002880.4 (MANE Select); coding-DNA position 448, G replaced by A.
Protein change: p.Ala150Thr; replaces alanine 150 with threonine.
Molecular consequence: missense variant. On other transcripts: non-coding transcript variant (3).
Genome position (GRCh38, 1-based): chr3:12,608,899, C>T on the plus strand (G>A on the coding strand, the complement: RAF1 is on the minus strand). VCF-style: chr3-12608899-C-T. GRCh37 (hg19) VCF-style: chr3-12650398-C-T.
Other names: c.448G>A, p.Ala150Thr (NM_001354689.3, NM_001354690.3, NM_001354693.3); c.205G>A, p.Ala69Thr (NM_001354691.3, NM_001354692.3, NM_001354694.3 and 1 more transcripts); short protein forms A150T, A69T.
Identifiers: ClinVar variation 2626569 (VCV002626569.2), dbSNP rs2125417027, ClinGen allele CA351517623.